The following is an entry in ClinVar:

ClinVar aggregate classification (germline): Uncertain significance (1 of 4 stars; one submission).

gnomAD v4.1: 2 of 1,613,728 alleles (0.00012%); highest among the groups gnomAD compares: Non-Finnish European, 0.00017%; no homozygotes.

Submission:

Labcorp Genetics (formerly Invitae), Labcorp
Classification: Uncertain significance. Last evaluated: 2023-10-04. Review status: criteria provided, single submitter. Criteria: Invitae Variant Classification Sherloc (09022015). Collection method: clinical testing. Allele origin: germline.
Comment: This sequence change replaces phenylalanine, which is neutral and non-polar, with leucine, which is neutral and non-polar, at codon 678 of the MYO7A protein (p.Phe678Leu). This variant is not present in population databases (gnomAD no frequency). This variant has not been reported in the literature in individuals affected with MYO7A-related conditions. Advanced modeling of protein sequence and biophysical properties (such as structural, functional, and spatial information, amino acid conservation, physicochemical variation, residue mobility, and thermodynamic stability) has been performed at Invitae for this missense variant, however the output from this modeling did not meet the statistical confidence thresholds required to predict the impact of this variant on MYO7A protein function. In summary, the available evidence is currently insufficient to determine the role of this variant in disease. Therefore, it has been classified as a Variant of Uncertain Significance.

NM_000260.4(MYO7A):c.2034C>G (p.Phe678Leu)

Gene: MYO7A (myosin VIIA; plus strand). Cytogenetic location: 11q13.5.
Variant type: single nucleotide variant.
Coding change: c.2034C>G on transcript NM_000260.4 (MANE Select); coding-DNA position 2034, C replaced by G.
Protein change: p.Phe678Leu; replaces phenylalanine 678 with leucine.
Molecular consequence: missense variant.
Genome position (GRCh38, 1-based): chr11:77,174,854, C>G. VCF-style: chr11-77174854-C-G. GRCh37 (hg19) VCF-style: chr11-76885900-C-G.
Other names: c.2034C>G, p.Phe678Leu (NM_001127180.2); c.2001C>G, p.Phe667Leu (NM_001369365.1); short protein forms F667L, F678L.
Identifiers: ClinVar variation 2849875 (VCV002849875.3), dbSNP rs782519043, ClinGen allele CA381939387.
Genomic context (GRCh38, chr11:77,174,854, plus strand): 5'-CTCAGGAATGATGGAGACCATCCGAATCCGCCGAGCTGGCTACCCCATCCGCTACAGCTT[C>G]GTAGAGTTTGTGGAGCGGTACCGTGTGCTGCTGCCAGGTGTGAAGCCGGCCTACAAGCAG-3'
Protein context (NP_000251.3, residues 668-688): RRAGYPIRYS[Phe678Leu]VEFVERYRVL